The following is an entry in ClinVar:

NM_000202.8(IDS):c.542A>G (p.Asn181Ser)

Genes: IDS (iduronate 2-sulfatase; minus strand), LOC106050102 (IDS recombination region; plus strand). Cytogenetic location: Xq28.
Variant type: single nucleotide variant.
Coding change: c.542A>G on transcript NM_000202.8 (MANE Select); coding-DNA position 542, A replaced by G.
Protein change: p.Asn181Ser; replaces asparagine 181 with serine.
Molecular consequence: missense variant. On other transcripts: non-coding transcript variant (1).
Genome position (GRCh38, 1-based): chrX:149,498,273, T>C on the plus strand (A>G on the coding strand, the complement: IDS is on the minus strand). VCF-style: chrX-149498273-T-C. GRCh37 (hg19) VCF-style: chrX-148579804-T-C.
Other names: c.272A>G, p.Asn91Ser (NM_001166550.4); c.542A>G, p.Asn181Ser (NM_006123.5); short protein forms N181S, N91S.
Identifiers: ClinVar variation 589539 (VCV000589539.4), dbSNP rs1569560492, ClinGen allele CA414522526.

ClinVar aggregate classification (germline): Uncertain significance (1 of 4 stars; one submission).

Conditions:
History of neurodevelopmental disorder. Identifiers: MedGen C2711754.

Submission:

Ambry Genetics
Classification: Uncertain significance for History of neurodevelopmental disorder. Last evaluated: 2017-08-16. Review status: criteria provided, single submitter. Criteria: Ambry Autosomal Dominant and X-Linked criteria (3/2017). Collection method: clinical testing. Allele origin: germline. Observed: 1 variant allele.
Comment: There is insufficient or conflicting evidence for classification of this alteration.